The following is an entry in ClinVar:

ClinVar aggregate classification (germline): Uncertain significance. Review status: criteria provided, multiple submitters, no conflicts (2 of 4 stars). 2 submissions from 2 submitters: Uncertain significance (2). Last evaluated 2025-08-20.

Conditions:
Inborn genetic diseases. Identifiers: MedGen C0950123, MeSH D030342.
Macrocephaly-developmental delay syndrome (MRT41). Also called: INTELLECTUAL DEVELOPMENTAL DISORDER, AUTOSOMAL RECESSIVE 41. Identifiers: Orphanet 397612, MedGen C3810225, MONDO:0014289, OMIM 615637.

Allele frequency attached by ClinVar (database versions not stated): ExAC 0.00014; ESP Exome Variant Server 0.00057; 1000 Genomes Project 0.00060; 1000 Genomes Project 30x 0.00062.
gnomAD v4.1: 76 of 1,589,264 alleles (0.0048%); highest among the groups gnomAD compares: African/African-American, 0.096%; 1 homozygote.

Submissions (2):

Ambry Genetics
Classification: Uncertain significance for Inborn genetic diseases. Last evaluated: 2025-08-20. Review status: criteria provided, single submitter. Criteria: Ambry Variant Classification Scheme 2023. Collection method: clinical testing. Allele origin: germline.

Labcorp Genetics (formerly Invitae), Labcorp
Classification: Uncertain significance for Macrocephaly-developmental delay syndrome. Last evaluated: 2022-01-17. Review status: criteria provided, single submitter. Criteria: Invitae Variant Classification Sherloc (09022015). Collection method: clinical testing. Allele origin: germline.
Comment: This sequence change replaces tyrosine, which is neutral and polar, with serine, which is neutral and polar, at codon 331 of the KPTN protein (p.Tyr331Ser). This variant is present in population databases (rs200822662, gnomAD 0.09%). This variant has not been reported in the literature in individuals affected with KPTN-related conditions. Algorithms developed to predict the effect of missense changes on protein structure and function (SIFT, PolyPhen-2, Align-GVGD) all suggest that this variant is likely to be disruptive. In summary, the available evidence is currently insufficient to determine the role of this variant in disease. Therefore, it has been classified as a Variant of Uncertain Significance.

NM_007059.4(KPTN):c.992A>C (p.Tyr331Ser)

Gene: KPTN (kaptin, actin binding protein; minus strand). Cytogenetic location: 19q13.32.
Variant type: single nucleotide variant.
Coding change: c.992A>C on transcript NM_007059.4 (MANE Select); coding-DNA position 992, A replaced by C.
Protein change: p.Tyr331Ser; replaces tyrosine 331 with serine.
Molecular consequence: missense variant. On other transcripts: non-coding transcript variant (1).
Genome position (GRCh38, 1-based): chr19:47,476,810, T>G on the plus strand (A>C on the coding strand, the complement: KPTN is on the minus strand). VCF-style: chr19-47476810-T-G. GRCh37 (hg19) VCF-style: chr19-47980067-T-G.
Other names: c.992A>C (NM_007059.2); c.824A>C, p.Tyr275Ser (NM_001291296.2); short protein forms Y275S, Y331S.
Identifiers: ClinVar variation 2041030 (VCV002041030.2), dbSNP rs200822662, ClinGen allele CA9540258.